The following is an entry in ClinVar:

ClinVar aggregate classification (germline): Benign (1 of 4 stars; one submission).

Allele frequency attached by ClinVar (database versions not stated): 1000 Genomes Project 0.10763; 1000 Genomes Project 30x 0.11227; TOPMed 0.11535.
gnomAD v4.1: 26,856 of 760,148 alleles (3.5%); highest among the groups gnomAD compares: African/African-American, 34%; 3,384 homozygotes.

Submission:

GeneDx
Classification: Benign. Last evaluated: 2018-06-19. Review status: criteria provided, single submitter. Criteria: GeneDx Variant Classification (06012015). Collection method: clinical testing. Allele origin: germline. Affected: yes.
Comment: This variant is considered likely benign or benign based on one or more of the following criteria: it is a conservative change, it occurs at a poorly conserved position in the protein, it is predicted to be benign by multiple in silico algorithms, and/or has population frequency not consistent with disease.

NM_017909.4(RMND1):c.1003-86C>T

Gene: RMND1 (required for meiotic nuclear division 1 homolog; minus strand). Cytogenetic location: 6q25.1.
Variant type: single nucleotide variant.
Coding change: c.1003-86C>T on transcript NM_017909.4 (MANE Select); 86 bases into the intron before coding-DNA position 1003, C replaced by T.
Molecular consequence: intron variant.
Genome position (GRCh38, 1-based): chr6:151,421,407, G>A on the plus strand (C>T on the coding strand, the complement: RMND1 is on the minus strand). VCF-style: chr6-151421407-G-A. GRCh37 (hg19) VCF-style: chr6-151742542-G-A.
Other names: c.493-86C>T (NM_001271937.2).
Identifiers: ClinVar variation 675542 (VCV000675542.1), dbSNP rs9479038, ClinGen allele CA16283683.
Genomic context (GRCh38, chr6:151,421,407, plus strand): 5'-CAAAAAACCATGTATCTCTCTTTCTAATAAGCATTAGGTCAACAGGGCAAAATCTGAAGT[G>A]GCATAATTTGGATCCTATGTAAATATTTTTTAGGATGGCTGTCTCCCAGATTAATGTCTT-3'